The following is an entry in ClinVar:

ClinVar aggregate classification (germline): Pathogenic (1 of 4 stars; one submission).

Submission:

Labcorp Genetics (formerly Invitae), Labcorp
Classification: Pathogenic. Last evaluated: 2024-08-29. Review status: criteria provided, single submitter. Criteria: Invitae Variant Classification Sherloc (09022015). Collection method: clinical testing. Allele origin: germline.
Comment: This sequence change creates a premature translational stop signal (p.Pro719Leufs*54) in the RFX6 gene. It is expected to result in an absent or disrupted protein product. Loss-of-function variants in RFX6 are known to be pathogenic (PMID: 20148032). This variant is not present in population databases (gnomAD no frequency). This variant has not been reported in the literature in individuals affected with RFX6-related conditions. For these reasons, this variant has been classified as Pathogenic.

Literature cited by the submitters: PubMed 20148032.

NM_173560.4(RFX6):c.2156del (p.Pro719fs)

Gene: RFX6 (regulatory factor X6; plus strand). Cytogenetic location: 6q22.1.
Variant type: Deletion.
Coding change: c.2156del on transcript NM_173560.4 (MANE Select); coding-DNA position 2156, one base deleted (C; older notation c.2156delC).
Protein change: p.Pro719fs; shifts the reading frame from proline 719.
Molecular consequence: frameshift variant.
Genome position (GRCh38, 1-based): chr6:116,927,297, C deleted; the last of 2 consecutive C bases (chr6:116,927,296-116,927,297); deleting either gives the same sequence. VCF-style (leftmost placement, unchanged base first): chr6-116927295-TC-T. GRCh37 (hg19) VCF-style: chr6-117248458-TC-T.
Other names: short protein forms P719fs.
Identifiers: ClinVar variation 3685863 (VCV003685863.2).